The following is an entry in ClinVar:

NM_006231.4(POLE):c.2026+2T>C

Gene: POLE (DNA polymerase epsilon, catalytic subunit; minus strand). Cytogenetic location: 12q24.33.
Variant type: single nucleotide variant.
Coding change: c.2026+2T>C on transcript NM_006231.4 (MANE Select); the canonical splice donor site of the intron after coding-DNA position 2026, T replaced by C.
Molecular consequence: splice donor variant.
Genome position (GRCh38, 1-based): chr12:132,668,633, A>G on the plus strand (T>C on the coding strand, the complement: POLE is on the minus strand). VCF-style: chr12-132668633-A-G. GRCh37 (hg19) VCF-style: chr12-133245219-A-G.
Identifiers: ClinVar variation 1507128 (VCV001507128.6), dbSNP rs2135977645, ClinGen allele CA387354614.

ClinVar aggregate classification (germline): Likely pathogenic (1 of 4 stars; one submission).

Submission:

Labcorp Genetics (formerly Invitae), Labcorp
Classification: Likely pathogenic. Last evaluated: 2022-05-12. Review status: criteria provided, single submitter. Criteria: Invitae Variant Classification Sherloc (09022015). Collection method: clinical testing. Allele origin: germline.
Comment: This sequence change affects a donor splice site in intron 18 of the POLE gene. It is expected to disrupt RNA splicing. Variants that disrupt the donor or acceptor splice site typically lead to a loss of protein function (PMID: 16199547), and loss-of-function variants in POLE are known to be pathogenic (PMID: 23230001, 25948378, 30503519). This variant is not present in population databases (gnomAD no frequency). This variant has not been reported in the literature in individuals affected with POLE-related conditions. Algorithms developed to predict the effect of sequence changes on RNA splicing suggest that this variant may disrupt the consensus splice site. In summary, the currently available evidence indicates that the variant is pathogenic, but additional data are needed to prove that conclusively. Therefore, this variant has been classified as Likely Pathogenic.

Literature cited by the submitters: PubMed 16199547; PubMed 23230001; PubMed 25948378; PubMed 30503519.